The following is an entry in ClinVar:

ClinVar aggregate classification (germline): Likely benign (1 of 4 stars; one submission).

Allele frequency attached by ClinVar (database versions not stated): 1000 Genomes Project 0.00040; 1000 Genomes Project 30x 0.00078; gnomAD 0.00086; ESP Exome Variant Server 0.00131; ExAC 0.00155.
gnomAD v4.1: 1,545 of 1,609,338 alleles (0.096%); highest among the groups gnomAD compares: Non-Finnish European, 0.11%; 2 homozygotes.

Submission:

CeGaT Center for Human Genetics Tuebingen
Classification: Likely benign. Last evaluated: 2023-04-01. Review status: criteria provided, single submitter. Criteria: CeGaT Center For Human Genetics Tuebingen Variant Classification Criteria Version 2. Collection method: clinical testing. Allele origin: germline. Affected: yes. Observed: 1 variant allele.
Comment: CFAP65: BP4, BP7

NM_194302.4(CFAP65):c.960G>A (p.Thr320=)

Gene: CFAP65 (cilia and flagella associated protein 65; minus strand). Cytogenetic location: 2q35.
Variant type: single nucleotide variant.
Coding change: c.960G>A on transcript NM_194302.4 (MANE Select); coding-DNA position 960, G replaced by A.
Protein change: p.Thr320=; no amino-acid change (threonine 320 retained).
Molecular consequence: synonymous variant.
Genome position (GRCh38, 1-based): chr2:219,031,161, C>T on the plus strand (G>A on the coding strand, the complement: CFAP65 is on the minus strand). VCF-style: chr2-219031161-C-T. GRCh37 (hg19) VCF-style: chr2-219895883-C-T.
Other names: c.927G>A, p.Thr309= (NM_001278295.1); c.765G>A, p.Thr255= (NM_001278296.2).
Identifiers: ClinVar variation 2651910 (VCV002651910.24), dbSNP rs150728769, ClinGen allele CA2116147.
Genomic context (GRCh38, chr2:219,031,161, plus strand): 5'-CTCACCCACAGCCTGCAGCTGGATGCTGCTCCTCTGCCGGCTGCCCGCCCCGTACCAGCA[C>T]GTGGCCTGCACCTCGTAGATGACGGCTGTAAGGGGCTGAAAGGTCACCTTGATCTGAGAG-3'
Protein context (NP_919278.2, residues 310-330): LTAVIYEVQA[Thr320=]CWYGAGSRQR